The following is an entry in ClinVar:

NM_004360.5(CDH1):c.896C>G (p.Ala299Gly)

Gene: CDH1 (cadherin 1; plus strand). Cytogenetic location: 16q22.1.
Variant type: single nucleotide variant.
Coding change: c.896C>G on transcript NM_004360.5 (MANE Select); coding-DNA position 896, C replaced by G.
Protein change: p.Ala299Gly; replaces alanine 299 with glycine.
Molecular consequence: missense variant. On other transcripts: 5 prime UTR variant (2).
Genome position (GRCh38, 1-based): chr16:68,811,747, C>G. VCF-style: chr16-68811747-C-G. GRCh37 (hg19) VCF-style: chr16-68845650-C-G.
Other names: c.896C>G (LRG_301t1); c.896C>G, p.Ala299Gly (NM_001317184.2); c.-720C>G (NM_001317185.2); c.-924C>G (NM_001317186.2); short protein forms A299G.
Identifiers: ClinVar variation 239916 (VCV000239916.21), dbSNP rs745807727, ClinGen allele CA8129951.
Genomic context (GRCh38, chr16:68,811,747, plus strand): 5'-CCTCTGTGATGGAGGTCACAGCCACAGACGCGGACGATGATGTGAACACCTACAATGCCG[C>G]CATCGCTTACACCATCCTCAGCCAAGATCCTGAGCTCCCTGACAAAAATATGTTCACCAT-3'
Protein context (NP_004351.1, residues 289-309): ADDDVNTYNA[Ala299Gly]IAYTILSQDP

ClinVar aggregate classification (germline): Conflicting classifications of pathogenicity. Review status: criteria provided, conflicting classifications (1 of 4 stars). 7 submissions from 7 submitters: Uncertain significance (5); Likely benign (2). Last evaluated 2026-06-16.

Conditions:
CDH1-related diffuse gastric and lobular breast cancer syndrome. Also called: CDH1-related diffuse gastric and lobular breast cancer. Identifiers: MedGen CN311521, MONDO:0100488.
Hereditary cancer-predisposing syndrome. Also called: Tumor predisposition; Neoplastic Syndromes, Hereditary; Hereditary Cancer Syndrome; Hereditary neoplastic syndrome. Identifiers: Orphanet 140162, MedGen C0027672, MeSH D009386, MONDO:0015356.
Hereditary diffuse gastric adenocarcinoma (HDGC). Also called: DIFFUSE GASTRIC AND LOBULAR BREAST CANCER SYNDROME. Identifiers: Orphanet 26106, MedGen C1708349, MONDO:0007648, OMIM 137215.

Allele frequency attached by ClinVar (database versions not stated): gnomAD exomes below 0.00001; ExAC 0.00001; gnomAD 0.00001.
gnomAD v4.1: 7 of 1,613,978 alleles (0.00043%); highest among the groups gnomAD compares: Non-Finnish European, 0.00059%; no homozygotes.

Submissions (7):

Ambry Genetics
Classification: Likely benign for Hereditary cancer-predisposing syndrome. Last evaluated: 2026-06-16. Review status: criteria provided, single submitter. Criteria: Ambry Variant Classification Scheme 2023. Collection method: clinical testing. Allele origin: germline.

Laboratory of Genetics, Children's Clinical University Hospital Latvia
Classification: Likely benign. Last evaluated: 2025-02-16. Review status: criteria provided, single submitter. Criteria: ACMG Guidelines, 2015. Collection method: clinical testing. Allele origin: germline. Affected: yes.

Color Diagnostics, LLC DBA Color Health
Classification: Uncertain significance for Hereditary cancer-predisposing syndrome. Last evaluated: 2024-11-05. Review status: criteria provided, single submitter. Criteria: ACMG Guidelines, 2015. Collection method: clinical testing. Allele origin: germline.
Comment: This missense variant replaces alanine with glycine at codon 299 of the CDH1 protein. To our knowledge, functional studies have not been reported for this variant. This variant has not been reported in individuals affected with CDH1-related disorders in the literature. This variant has been identified in 3/282880 chromosomes in the general population by the Genome Aggregation Database (gnomAD). The available evidence is insufficient to determine the role of this variant in disease conclusively. Therefore, this variant is classified as a Variant of Uncertain Significance.

Labcorp Genetics (formerly Invitae), Labcorp
Classification: Uncertain significance for Hereditary diffuse gastric adenocarcinoma. Last evaluated: 2024-10-23. Review status: criteria provided, single submitter. Criteria: Invitae Variant Classification Sherloc (09022015). Collection method: clinical testing. Allele origin: germline.
Comment: This sequence change replaces alanine, which is neutral and non-polar, with glycine, which is neutral and non-polar, at codon 299 of the CDH1 protein (p.Ala299Gly). This variant is present in population databases (rs745807727, gnomAD 0.002%). This variant has not been reported in the literature in individuals affected with CDH1-related conditions. ClinVar contains an entry for this variant (Variation ID: 239916). An algorithm developed to predict the effect of missense changes on protein structure and function (PolyPhen-2) suggests that this variant is likely to be tolerated. In summary, the available evidence is currently insufficient to determine the role of this variant in disease. Therefore, it has been classified as a Variant of Uncertain Significance.

GeneDx
Classification: Uncertain significance. Last evaluated: 2023-07-23. Review status: criteria provided, single submitter. Criteria: GeneDx Variant Classification Process June 2021. Collection method: clinical testing. Allele origin: germline. Affected: yes.
Comment: Not observed at significant frequency in large population cohorts (gnomAD); In silico analysis supports that this missense variant does not alter protein structure/function; Observed in individuals with personal and/or family history of breast cancer (Garcia-Pelaez et al., 2023); This variant is associated with the following publications: (PMID: 15235021, 22850631, 36436516)

European Reference Network on Genetic Tumour Risk Syndromes (ERN-GENTURIS), i3s - Instituto de Investigação e Inovação em Saúde, University of Porto
Classification: Uncertain significance for Hereditary diffuse gastric adenocarcinoma. Last evaluated: 2022-08-01. Review status: criteria provided, single submitter. Criteria: Lee et al. (Hum Mutat. 2018). Collection method: clinical testing. Allele origin: germline. Inheritance: Autosomal dominant inheritance. Affected: no. Study: ERN GENTURIS.
Comment: Not applicable criteria (PMID: 30311375)

Department of Pathology and Laboratory Medicine, Sinai Health System
Classification: Uncertain significance for CDH1-related diffuse gastric and lobular breast cancer syndrome. Last evaluated: 2020-07-08. Review status: criteria provided, single submitter. Criteria: ACMG Guidelines, 2015. Collection method: clinical testing. Allele origin: germline. Affected: yes.

Literature cited by the submitters: PubMed 36436516 (cited by European Reference Network on Genetic Tumour Risk Syndromes (ERN-GENTURIS), i3s - Instituto de Investigação e Inovação em Saúde, University of Porto).